The following continues an entry in ClinVar:

NM_024675.4(PALB2):c.721A>G (p.Asn241Asp)

Gene: PALB2. ClinVar aggregate classification (germline): Benign. Benign (1).

Submissions 19 to 22 of 22:

Department of Pathology and Laboratory Medicine, Sinai Health System
Classification: Likely benign for Malignant tumor of breast. Review status: no assertion criteria provided. Collection method: clinical testing. Allele origin: unknown. Affected: yes. Observed: 1 variant allele. Study: The Canadian Open Genetics Repository (COGR). Not counted in ClinVar's aggregate classification.
Comment: The PALB2 p.Asn241Asp variant was identified in 13 of 2290 proband chromosomes (frequency: 0.00567) from individuals or families with breast cancer (Ding 2011, Zhen 2015, Zheng 2012). The variant was also identified in dbSNP (ID: rs113217267) as With Uncertain significance, other allele, ClinVar (classified as benign by Invitae; classified as likely benign by GeneDx, Ambry Genetics, PALB2 database), Clinvitae (classified as benign by Invitae; classified as likely benign by ClinVar), MutDB, LOVD 3.0 (5X), Zhejiang Colon Cancer Database (1X), databases. The variant was not identified in Cosmic, database. The variant was identified in control databases in 167(2 homozygous) of 277184 chromosomes at a frequency of 0.000602 increasing the likelihood this could be a low frequency benign variant (Genome Aggregation Consortium Feb 27, 2017). The p.Asn241 residue is not conserved in mammals and computational analyses (PolyPhen-2, SIFT, AlignGVGD, BLOSUM, MutationTaster) do not suggest a high likelihood of impact to the protein; however, this information is not predictive enough to rule out pathogenicity. The variant occurs outside of the splicing consensus sequence and in silico or computational prediction software programs (SpliceSiteFinder, MaxEntScan, NNSPLICE, GeneSplicer, HumanSpliceFinder) do not predict a difference in splicing. In summary, based on the above information, the clinical significance of this variant cannot be determined with certainty at this time although we would lean towards a more benign role for this variant. This variant is classified as likely benign.

Genome Diagnostics Laboratory, Amsterdam University Medical Center
Classification: Benign. Review status: no assertion criteria provided. Collection method: clinical testing. Allele origin: germline. Affected: yes. Study: VKGL Data-share Consensus. Not counted in ClinVar's aggregate classification.

Joint Genome Diagnostic Labs from Nijmegen and Maastricht, Radboudumc and MUMC+
Classification: Likely benign. Review status: no assertion criteria provided. Collection method: clinical testing. Allele origin: germline. Affected: yes. Study: VKGL Data-share Consensus. Not counted in ClinVar's aggregate classification.

Laboratory of Diagnostic Genome Analysis, Leiden University Medical Center (LUMC)
Classification: Likely benign. Review status: no assertion criteria provided. Collection method: clinical testing. Allele origin: germline. Affected: yes. Study: VKGL Data-share Consensus. Not counted in ClinVar's aggregate classification.

Literature cited by the submitters: PubMed 25085752 (cited by Myriad Genetics, Inc.); PubMed 25356972 (cited by 3 submitters); PubMed 21113654 (cited by 3 submitters); PubMed 21932393 (cited by 4 submitters); PubMed 25186627 (cited by 3 submitters); PubMed 20589654 (cited by Quest Diagnostics Nichols Institute San Juan Capistrano); PubMed 30287823 (cited by Quest Diagnostics Nichols Institute San Juan Capistrano and Leiden Open Variation Database); PubMed 33964450 (cited by Quest Diagnostics Nichols Institute San Juan Capistrano); PubMed 24728327 (cited by ITMI).